The following is an entry in ClinVar:

ClinVar aggregate classification (germline): Uncertain significance. Review status: criteria provided, multiple submitters, no conflicts (2 of 4 stars). 2 submissions from 2 submitters: Uncertain significance (2). Last evaluated 2025-11-20.

Conditions:
Lipodystrophy, partial, acquired, susceptibility to (APLD). Also called: APLD, SUSCEPTIBILITY TO. Identifiers: MedGen C3887501, MONDO:0100476, OMIM 608709.
Progressive myoclonic epilepsy type 9. Identifiers: Orphanet 457265, MedGen C4225289, MONDO:0014685, OMIM 616540.

Allele frequency attached by ClinVar (database versions not stated): gnomAD 0.00001; TOPMed 0.00002; gnomAD exomes 0.00003 and 0.00005; ExAC 0.00005; ESP Exome Variant Server 0.00008.
gnomAD v4.1: 37 of 1,610,568 alleles (0.0023%); highest among the groups gnomAD compares: Middle Eastern, 0.019%; no homozygotes.

Submissions (2):

Ambry Genetics
Classification: Uncertain significance. Last evaluated: 2025-11-20. Review status: criteria provided, single submitter. Criteria: Ambry Variant Classification Scheme 2023. Collection method: clinical testing. Allele origin: germline.

Labcorp Genetics (formerly Invitae), Labcorp
Classification: Uncertain significance for Progressive myoclonic epilepsy type 9; Lipodystrophy, partial, acquired, susceptibility to. Last evaluated: 2023-05-15. Review status: criteria provided, single submitter. Criteria: Invitae Variant Classification Sherloc (09022015). Collection method: clinical testing. Allele origin: germline.
Comment: ClinVar contains an entry for this variant (Variation ID: 958906). This variant has not been reported in the literature in individuals affected with LMNB2-related conditions. This variant is present in population databases (rs369668021, gnomAD 0.02%). This sequence change replaces arginine, which is basic and polar, with cysteine, which is neutral and slightly polar, at codon 148 of the LMNB2 protein (p.Arg148Cys). In summary, the available evidence is currently insufficient to determine the role of this variant in disease. Therefore, it has been classified as a Variant of Uncertain Significance. Advanced modeling of protein sequence and biophysical properties (such as structural, functional, and spatial information, amino acid conservation, physicochemical variation, residue mobility, and thermodynamic stability) performed at Invitae indicates that this missense variant is expected to disrupt LMNB2 protein function.

NM_032737.4(LMNB2):c.442C>T (p.Arg148Cys)

Gene: LMNB2 (lamin B2; minus strand). Cytogenetic location: 19p13.3.
Variant type: single nucleotide variant.
Coding change: c.442C>T on transcript NM_032737.4 (MANE Select); coding-DNA position 442, C replaced by T.
Protein change: p.Arg148Cys; replaces arginine 148 with cysteine.
Molecular consequence: missense variant.
Genome position (GRCh38, 1-based): chr19:2,438,491, G>A on the plus strand (C>T on the coding strand, the complement: LMNB2 is on the minus strand). VCF-style: chr19-2438491-G-A. GRCh37 (hg19) VCF-style: chr19-2438489-G-A.
Other names: c.382C>T (NM_032737.2); short protein forms R148C.
Identifiers: ClinVar variation 958906 (VCV000958906.10), dbSNP rs369668021, ClinGen allele CA9067885.